The following is an entry in ClinVar:

NM_030962.4(SBF2):c.620G>T (p.Gly207Val)

Gene: SBF2 (SET binding factor 2; minus strand). Cytogenetic location: 11p15.4.
Variant type: single nucleotide variant.
Coding change: c.620G>T on transcript NM_030962.4 (MANE Select); coding-DNA position 620, G replaced by T.
Protein change: p.Gly207Val; replaces glycine 207 with valine.
Molecular consequence: missense variant.
Genome position (GRCh38, 1-based): chr11:10,002,689, C>A on the plus strand (G>T on the coding strand, the complement: SBF2 is on the minus strand). VCF-style: chr11-10002689-C-A. GRCh37 (hg19) VCF-style: chr11-10024236-C-A.
Other names: c.620G>T, p.Gly207Val (NM_001386339.1, NM_001386342.1); c.656G>T, p.Gly219Val (NM_001424318.1, NM_001425069.1, NM_001425070.1); short protein forms G207V, G219V.
Identifiers: ClinVar variation 3236699 (VCV003236699.2), dbSNP rs762408471, ClinGen allele CA379643770.

ClinVar aggregate classification (germline): Pathogenic (1 of 4 stars; one submission).

Conditions:
Charcot-Marie-Tooth disease type 4B2. Also called: CHARCOT-MARIE-TOOTH DISEASE, WITH FOCALLY FOLDED MYELIN SHEATHS, AUTOSOMAL RECESSIVE, TYPE 4B2; CMT 4B2; Charcot-Marie-Tooth Neuropathy Type 4B2; CHARCOT-MARIE-TOOTH DISEASE, DEMYELINATING, TYPE 4B2. Identifiers: Orphanet 99956, MedGen C1858278, MONDO:0011475, OMIM 604563.

Submission:

Moosajee Lab, UCL Institute of Ophthalmology
Classification: Pathogenic for Charcot-Marie-Tooth disease type 4B2. Review status: criteria provided, single submitter. Criteria: ACMG Guidelines, 2015. Collection method: clinical testing. Allele origin: paternal. Inheritance: Autosomal recessive inheritance. Affected: yes. Observed: 1 compound heterozygote. Study: Genomics England 100,000 Genomes Project.
Comment: The variant has been inherited in compound heterozygous manner with the variant NM_030962.4:c.2536+1G>A

Literature cited by the submitters: DOI 10.1186/s12864-024-10353-8.